The following is an entry in ClinVar:

ClinVar aggregate classification (germline): Uncertain significance (1 of 4 stars; one submission).

gnomAD v4.1: 11 of 1,614,062 alleles (0.00068%); highest among the groups gnomAD compares: Non-Finnish European, 0.00093%; no homozygotes.

Submission:

Labcorp Genetics (formerly Invitae), Labcorp
Classification: Uncertain significance. Last evaluated: 2024-11-05. Review status: criteria provided, single submitter. Criteria: Invitae Variant Classification Sherloc (09022015). Collection method: clinical testing. Allele origin: germline.
Comment: This sequence change replaces arginine, which is basic and polar, with leucine, which is neutral and non-polar, at codon 747 of the CDH3 protein (p.Arg747Leu). This variant is not present in population databases (gnomAD no frequency). This variant has not been reported in the literature in individuals affected with CDH3-related conditions. ClinVar contains an entry for this variant (Variation ID: 1487799). Invitae Evidence Modeling of protein sequence and biophysical properties (such as structural, functional, and spatial information, amino acid conservation, physicochemical variation, residue mobility, and thermodynamic stability) indicates that this missense variant is not expected to disrupt CDH3 protein function with a negative predictive value of 80%. In summary, the available evidence is currently insufficient to determine the role of this variant in disease. Therefore, it has been classified as a Variant of Uncertain Significance.

NM_001793.6(CDH3):c.2240G>T (p.Arg747Leu)

Gene: CDH3 (cadherin 3; plus strand). Cytogenetic location: 16q22.1.
Variant type: single nucleotide variant.
Coding change: c.2240G>T on transcript NM_001793.6 (MANE Select); coding-DNA position 2240, G replaced by T.
Protein change: p.Arg747Leu; replaces arginine 747 with leucine.
Molecular consequence: missense variant.
Genome position (GRCh38, 1-based): chr16:68,695,883, G>T. VCF-style: chr16-68695883-G-T. GRCh37 (hg19) VCF-style: chr16-68729786-G-T.
Other names: c.2240G>T, p.Arg747Leu (NM_001317195.3); c.2075G>T, p.Arg692Leu (NM_001317196.2); short protein forms R692L, R747L.
Identifiers: ClinVar variation 1487799 (VCV001487799.6), dbSNP rs772291014, ClinGen allele CA396456366.
Genomic context (GRCh38, chr16:68,695,883, plus strand): 5'-AGGTGGTTCTCCGCAATGACGTGGCACCAACCATCATCCCGACACCCATGTACCGTCCTC[G>T]GCCAGCCAACCCAGATGAAATCGGCAACTTTATAATTGAGGTGAGGCGTGGCAGGCCAGT-3'
Protein context (NP_001784.2, residues 737-757): TIIPTPMYRP[Arg747Leu]PANPDEIGNF